The following is an entry in ClinVar:

NM_020975.6(RET):c.1880-15C>T

Gene: RET (ret proto-oncogene; plus strand). Cytogenetic location: 10q11.21.
Variant type: single nucleotide variant.
Coding change: c.1880-15C>T on transcript NM_020975.6 (MANE Select); 15 bases into the intron before coding-DNA position 1880, C replaced by T.
Molecular consequence: intron variant.
Genome position (GRCh38, 1-based): chr10:43,114,465, C>T. VCF-style: chr10-43114465-C-T. GRCh37 (hg19) VCF-style: chr10-43609913-C-T.
Other names: c.1880-15C>T (NM_020630.7, NM_001406743.1, NM_001406744.1 and 2 more transcripts); c.1880-150C>T (NM_001406765.1, NM_001406763.1); c.1484-15C>T (NM_001406772.1, NM_001406769.1); c.1442-15C>T (NM_001406773.1, NM_001406771.1); c.983-15C>T (NM_001406782.1, NM_001406780.1, NM_001406779.1 and 1 more transcripts); c.983-150C>T (NM_001406787.1); c.863-15C>T (NM_001406785.1); c.1751-15C>T (NM_001406764.1, NM_001406762.1, NM_001406761.1); and 10 more.
Identifiers: ClinVar variation 1555384 (VCV001555384.10), dbSNP rs758004890, ClinGen allele CA036120.
Genomic context (GRCh38, chr10:43,114,465, plus strand): 5'-CAGAGCATACGCAGCCTGTACCCAGTGGTGCCGAGCCTCTGGCGGTGCCAAGCCTCACAC[C>T]ACCCCCACCCACAGATCCACTGTGCGACGAGCTGTGCCGCACGGTGATCGCAGCCGCTGT-3'

ClinVar aggregate classification (germline): Likely benign. Review status: criteria provided, multiple submitters, no conflicts (2 of 4 stars). 2 submissions from 2 submitters: Likely benign (2). Last evaluated 2025-02-26.

Conditions:
Multiple endocrine neoplasia, type 2 (MEN2). Identifiers: Orphanet 653, MedGen C4048306, MONDO:0019003. Disease mechanism: gain of function.
Multiple endocrine neoplasia type 2A. Also called: MULTIPLE ENDOCRINE NEOPLASIA, TYPE IIA; PTC SYNDROME; SIPPLE SYNDROME; MEN 2A; MEN-2A syndrome; Pheochromocytoma and amyloid producing medullary thyroid carcinoma. Identifiers: Orphanet 247698, Orphanet 653, MedGen C0025268, MeSH D018813, MONDO:0008234, OMIM 171400.

Allele frequency attached by ClinVar (database versions not stated): gnomAD exomes below 0.00001; ExAC 0.00001.
gnomAD v4.1: 3 of 1,605,144 alleles (0.00019%); highest among the groups gnomAD compares: Non-Finnish European, 0.00025%; no homozygotes.

Submissions (2):

Myriad Genetics, Inc.
Classification: Likely benign for Multiple endocrine neoplasia type 2A. Last evaluated: 2025-02-26. Review status: criteria provided, single submitter. Criteria: Myriad Autosomal Dominant, Autosomal Recessive and X-Linked Classification Criteria (2023). Collection method: clinical testing. Allele origin: unknown.
Comment: This variant is considered likely benign. This variant is intronic and is not expected to impact mRNA splicing.

Labcorp Genetics (formerly Invitae), Labcorp
Classification: Likely benign for Multiple endocrine neoplasia, type 2. Last evaluated: 2024-03-05. Review status: criteria provided, single submitter. Criteria: Invitae Variant Classification Sherloc (09022015). Collection method: clinical testing. Allele origin: germline.